The following is an entry in ClinVar:

NM_001195626.3(MLLT10):c.240+17954A>T

Gene: MLLT10 (MLLT10 histone lysine methyltransferase DOT1L cofactor; plus strand). Cytogenetic location: 10p12.31.
Variant type: single nucleotide variant.
Coding change: c.240+17954A>T on transcript NM_001195626.3 (MANE Select); 17954 bases into the intron after coding-DNA position 240, A replaced by T.
Molecular consequence: intron variant. On other transcripts: 3 prime UTR variant (1), missense variant (3).
Genome position (GRCh38, 1-based): chr10:21,556,866, A>T. VCF-style: chr10-21556866-A-T. GRCh37 (hg19) VCF-style: chr10-21845795-A-T.
Other names: c.*189A>T (NM_001195627.2); c.464A>T, p.Asp155Val (NM_001195628.2, NM_001195630.2, NM_001324296.2); c.-835-755A>T (NM_001324297.2); c.240+17954A>T (NM_004641.4); short protein forms D155V.
Identifiers: ClinVar variation 3038919 (VCV003038919.2), dbSNP rs193253280, ClinGen allele CA5434435.
Genomic context (GRCh38, chr10:21,556,866, plus strand): 5'-CAGCTTTCTTCGGTCCTCAGTCATTTACCACTTGTCATATGTCCTTTCTAGTTTCCAGGG[A>T]TATTCTTTTTTATATTTATGGCTTTATGCCATTTATCTCAGTTGTCATTTGGCGTTTCAA-3'

ClinVar aggregate classification (germline): Benign (0 of 4 stars; one submission).

Conditions:
MLLT10-related disorder. Also called: MLLT10-related condition.

Allele frequency attached by ClinVar (database versions not stated): gnomAD exomes 0.00027; TOPMed 0.00059; gnomAD 0.00074; ExAC 0.00078; 1000 Genomes Project 30x 0.00312; 1000 Genomes Project 0.00319.
gnomAD v4.1: 552 of 1,550,988 alleles (0.036%); highest among the groups gnomAD compares: East Asian, 0.94%; 3 homozygotes.

Submission:

PreventionGenetics, part of Exact Sciences
Classification: Benign for MLLT10-related condition. Last evaluated: 2019-05-22. Review status: no assertion criteria provided. Collection method: clinical testing. Allele origin: germline.
Comment: This variant is classified as benign based on ACMG/AMP sequence variant interpretation guidelines (Richards et al. 2015 PMID: 25741868, with internal and published modifications).